The following is an entry in ClinVar:

NM_015272.5(RPGRIP1L):c.1216A>G (p.Ile406Val)

Gene: RPGRIP1L (RPGRIP1 like; minus strand). Cytogenetic location: 16q12.2.
Variant type: single nucleotide variant.
Coding change: c.1216A>G on transcript NM_015272.5 (MANE Select); coding-DNA position 1216, A replaced by G.
Protein change: p.Ile406Val; replaces isoleucine 406 with valine.
Molecular consequence: missense variant.
Genome position (GRCh38, 1-based): chr16:53,664,897, T>C on the plus strand (A>G on the coding strand, the complement: RPGRIP1L is on the minus strand). VCF-style: chr16-53664897-T-C. GRCh37 (hg19) VCF-style: chr16-53698809-T-C.
Other names: c.1216A>G, p.Ile406Val (NM_001127897.4, NM_001308334.3, NM_001330538.2); short protein forms I406V.
Identifiers: ClinVar variation 4998322 (VCV004998322.1).

ClinVar aggregate classification (germline): Uncertain significance (1 of 4 stars; one submission).

Conditions:
RPGRIP1L-related disorder. Also called: RPGRIP1L-related disorders; RPGRIP1L-related condition. Identifiers: MedGen CN239416.

gnomAD v4.1: 3 of 1,612,072 alleles (0.00019%); highest among the groups gnomAD compares: Non-Finnish European, 0.00017%; no homozygotes.

Submission:

PreventionGenetics, part of Exact Sciences
Classification: Uncertain significance for RPGRIP1L-related condition. Last evaluated: 2025-05-27. Review status: criteria provided, single submitter. Criteria: ACMG Guidelines, 2015. Collection method: clinical testing. Allele origin: germline.
Comment: The RPGRIP1L c.1216A>G variant is predicted to result in the amino acid substitution p.Ile406Val. To our knowledge, this variant has not been reported in the literature. This variant is reported in 0.00088% of alleles in individuals of European (Non-Finnish) descent in gnomAD. At this time, the clinical significance of this variant is uncertain due to the absence of conclusive functional and genetic evidence.